The following is an entry in ClinVar:

ClinVar aggregate classification (germline): Uncertain significance (1 of 4 stars; one submission).

Conditions:
Left ventricular noncompaction 1 (LVNC1). Also called: LEFT VENTRICULAR NONCOMPACTION 1 WITH OR WITHOUT CONGENITAL HEART DEFECTS. Identifiers: Orphanet 54260, MedGen C1858725, MONDO:0011403, OMIM 604169.

Submission:

Labcorp Genetics (formerly Invitae), Labcorp
Classification: Uncertain significance for Left ventricular noncompaction 1. Last evaluated: 2022-03-16. Review status: criteria provided, single submitter. Criteria: Invitae Variant Classification Sherloc (09022015). Collection method: clinical testing. Allele origin: germline.
Comment: In summary, the available evidence is currently insufficient to determine the role of this variant in disease. Therefore, it has been classified as a Variant of Uncertain Significance. Algorithms developed to predict the effect of missense changes on protein structure and function are either unavailable or do not agree on the potential impact of this missense change (SIFT: "Deleterious"; PolyPhen-2: "Probably Damaging"; Align-GVGD: "Class C0"). This variant has not been reported in the literature in individuals affected with DTNA-related conditions. This variant is not present in population databases (gnomAD no frequency). This sequence change replaces threonine, which is neutral and polar, with isoleucine, which is neutral and non-polar, at codon 98 of the DTNA protein (p.Thr98Ile).

NM_001386795.1(DTNA):c.293C>T (p.Thr98Ile)

Gene: DTNA (dystrobrevin alpha; plus strand). Cytogenetic location: 18q12.1.
Variant type: single nucleotide variant.
Coding change: c.293C>T on transcript NM_001386795.1 (MANE Select); coding-DNA position 293, C replaced by T.
Protein change: p.Thr98Ile; replaces threonine 98 with isoleucine.
Molecular consequence: missense variant.
Genome position (GRCh38, 1-based): chr18:34,794,181, C>T. VCF-style: chr18-34794181-C-T. GRCh37 (hg19) VCF-style: chr18-32374145-C-T.
Other names: c.293C>T, p.Thr98Ile (NM_001128175.2, NM_001198938.2, NM_001198939.2 and 35 more transcripts); short protein forms T98I.
Identifiers: ClinVar variation 2112919 (VCV002112919.4), dbSNP rs2516942050, ClinGen allele CA402275061.